The following is an entry in ClinVar:

ClinVar aggregate classification (germline): Uncertain significance. Review status: criteria provided, single submitter (1 of 4 stars). 2 submissions from 2 submitters: Uncertain significance (1). 1 of the submissions does not count toward it. Last evaluated 2025-03-17.

Conditions:
TUB-related disorder. Also called: TUB-related condition.

Allele frequency attached by ClinVar (database versions not stated): gnomAD exomes 0.00002; TOPMed 0.00002; gnomAD 0.00003.
gnomAD v4.1: 111 of 1,613,888 alleles (0.0069%); highest among the groups gnomAD compares: Non-Finnish European, 0.009%; no homozygotes.

Submissions (2):

Labcorp Genetics (formerly Invitae), Labcorp
Classification: Uncertain significance. Last evaluated: 2025-03-17. Review status: criteria provided, single submitter. Criteria: Invitae Variant Classification Sherloc (09022015). Collection method: clinical testing. Allele origin: germline.
Comment: This sequence change replaces tryptophan, which is neutral and slightly polar, with serine, which is neutral and polar, at codon 28 of the TUB protein (p.Trp28Ser). This variant is present in population databases (no rsID available, gnomAD 0.004%). This variant has not been reported in the literature in individuals affected with TUB-related conditions. ClinVar contains an entry for this variant (Variation ID: 1420977). An algorithm developed to predict the effect of missense changes on protein structure and function (PolyPhen-2) suggests that this variant is likely to be tolerated. In summary, the available evidence is currently insufficient to determine the role of this variant in disease. Therefore, it has been classified as a Variant of Uncertain Significance.

PreventionGenetics, part of Exact Sciences
Classification: Uncertain significance for TUB-related condition. Last evaluated: 2024-09-09. Review status: no assertion criteria provided. Collection method: clinical testing. Allele origin: germline. Not counted in ClinVar's aggregate classification.
Comment: The TUB c.83G>C variant is predicted to result in the amino acid substitution p.Trp28Ser. To our knowledge, this variant has not been reported in the literature. This variant is reported in 0.0039% of alleles in individuals of European (Non-Finnish) descent in gnomAD. At this time, the clinical significance of this variant is uncertain due to the absence of conclusive functional and genetic evidence.

NM_003320.5(TUB):c.83G>C (p.Trp28Ser)

Gene: TUB (TUB bipartite transcription factor; plus strand). Cytogenetic location: 11p15.4.
Variant type: single nucleotide variant.
Coding change: c.83G>C on transcript NM_003320.5; coding-DNA position 83, G replaced by C.
Protein change: p.Trp28Ser; replaces tryptophan 28 with serine.
Molecular consequence: missense variant. On other transcripts: intron variant (4).
Genome position (GRCh38, 1-based): chr11:8,038,956, G>C. VCF-style: chr11-8038956-G-C. GRCh37 (hg19) VCF-style: chr11-8060503-G-C.
Other names: c.56+19598G>C (NM_001440538.1, NM_001440539.1, NM_001440540.1 and 1 more transcripts); short protein forms W28S.
Identifiers: ClinVar variation 1420977 (VCV001420977.7), dbSNP rs928335500, ClinGen allele CA217427801.